The following is an entry in ClinVar:

NM_001004320.2(AGMO):c.904C>T (p.Pro302Ser)

Gene: AGMO (alkylglycerol monooxygenase; minus strand). Cytogenetic location: 7p21.2.
Variant type: single nucleotide variant.
Coding change: c.904C>T on transcript NM_001004320.2 (MANE Select); coding-DNA position 904, C replaced by T.
Protein change: p.Pro302Ser; replaces proline 302 with serine.
Molecular consequence: missense variant.
Genome position (GRCh38, 1-based): chr7:15,387,459, G>A on the plus strand (C>T on the coding strand, the complement: AGMO is on the minus strand). VCF-style: chr7-15387459-G-A. GRCh37 (hg19) VCF-style: chr7-15427084-G-A.
Other names: short protein forms P302S.
Identifiers: ClinVar variation 3044878 (VCV003044878.2), dbSNP rs1783962073, ClinGen allele CA366876987.

ClinVar aggregate classification (germline): Uncertain significance (0 of 4 stars; one submission).

Conditions:
AGMO-related disorder. Also called: AGMO-related condition.

Submission:

PreventionGenetics, part of Exact Sciences
Classification: Uncertain significance for AGMO-related condition. Last evaluated: 2024-02-14. Review status: no assertion criteria provided. Collection method: clinical testing. Allele origin: germline.
Comment: The AGMO c.904C>T variant is predicted to result in the amino acid substitution p.Pro302Ser. To our knowledge, this variant has not been reported in the literature or in a large population database, indicating this variant is rare. At this time, the clinical significance of this variant is uncertain due to the absence of conclusive functional and genetic evidence.